The following is an entry in ClinVar:

NM_000535.7(PMS2):c.1022G>A (p.Arg341Lys)

Gene: PMS2 (PMS1 homolog 2, mismatch repair system component; minus strand). Cytogenetic location: 7p22.1.
Variant type: single nucleotide variant.
Coding change: c.1022G>A on transcript NM_000535.7 (MANE Select); coding-DNA position 1022, G replaced by A.
Protein change: p.Arg341Lys; replaces arginine 341 with lysine.
Molecular consequence: missense variant. On other transcripts: non-coding transcript variant (1), intron variant (10).
Genome position (GRCh38, 1-based): chr7:5,989,922, C>T on the plus strand (G>A on the coding strand, the complement: PMS2 is on the minus strand). VCF-style: chr7-5989922-C-T. GRCh37 (hg19) VCF-style: chr7-6029553-C-T.
Other names: c.713G>A, p.Arg238Lys (NM_001406878.1, NM_001406879.1, NM_001406880.1 and 5 more transcripts); c.704G>A, p.Arg235Lys (NM_001406883.1, NM_001322007.2, NM_001322008.2 and 2 more transcripts); c.686G>A, p.Arg229Lys (NM_001406885.1); c.656G>A, p.Arg219Lys (NM_001406886.1); c.617G>A, p.Arg206Lys (NM_001406887.1, NM_001406888.1, NM_001322003.2 and 16 more transcripts); c.89G>A, p.Arg30Lys (NM_001322011.2, NM_001322012.2); c.449G>A, p.Arg150Lys (NM_001322013.2, NM_001406909.1); c.1022G>A, p.Arg341Lys (NM_001322014.2, NM_001406871.1, NM_001406872.1); and 13 more; short protein forms R206K, R275K, R403K, R84K, R238K, R305K, R341K, R219K.
Identifiers: ClinVar variation 5026908 (VCV005026908.1).

ClinVar aggregate classification (germline): Uncertain significance (1 of 4 stars; one submission).

Conditions:
Hereditary cancer-predisposing syndrome. Also called: Neoplastic Syndromes, Hereditary; Tumor predisposition; Hereditary neoplastic syndrome; Hereditary Cancer Syndrome. Identifiers: Orphanet 140162, MedGen C0027672, MeSH D009386, MONDO:0015356.

Submission:

Ambry Genetics
Classification: Uncertain significance for Hereditary cancer-predisposing syndrome. Last evaluated: 2026-07-06. Review status: criteria provided, single submitter. Criteria: Ambry Variant Classification Scheme 2023. Collection method: clinical testing. Allele origin: germline.
Comment: The p.R341K variant (also known as c.1022G>A), located in coding exon 10 of the PMS2 gene, results from a G to A substitution at nucleotide position 1022. The arginine at codon 341 is replaced by lysine, an amino acid with highly similar properties. This amino acid position is conserved. In addition, this alteration is predicted to be deleterious by in silico analysis. Based on the available evidence, the clinical significance of this variant remains unclear.